The following is an entry in ClinVar:

ClinVar aggregate classification (germline): Uncertain significance. Review status: criteria provided, multiple submitters, no conflicts (2 of 4 stars). 3 submissions from 3 submitters: Uncertain significance (2). 1 of the submissions does not count toward it. Last evaluated 2026-08-18.

Conditions:
Zellweger spectrum disorders (ZS). Also called: Zellweger Spectrum Disorder (ZSD); Zellweger Spectrum Disorder; Zellweger Spectrum; Zellweger syndrome. Identifiers: Orphanet 912, MedGen C0043459, MONDO:0019609.
Peroxisome biogenesis disorder. Identifiers: Orphanet 79189, MedGen C1832200, MONDO:0019234. Disease mechanism: loss of function.

Allele frequency attached by ClinVar (database versions not stated): gnomAD exomes below 0.00001 and 0.00001; ExAC 0.00001; gnomAD 0.00001; TOPMed 0.00001.
gnomAD v4.1: 3 of 1,613,794 alleles (0.00019%); highest among the groups gnomAD compares: Admixed American, 0.005%; no homozygotes.

Submissions (3):

Myriad Genetics, Inc.
Classification: Uncertain significance for Peroxisome biogenesis disorder. Last evaluated: 2026-08-18. Review status: criteria provided, single submitter. Criteria: Myriad Autosomal Dominant, Autosomal Recessive and X-Linked Classification Criteria (2023). Collection method: clinical testing. Allele origin: unknown.
Comment: NM_000466.2(PEX1):c.2942C>T(A981V) is a missense variant classified as a variant of uncertain significance in the context of peroxisome biogenesis disorder type 1. A981V has not been observed in cases with relevant disease. Relevant functional assessments of this variant are not available in the literature. A981V has been observed in referenced population frequency databases. In summary, there is insufficient evidence to classify NM_000466.2(PEX1):c.2942C>T(A981V) as pathogenic or benign. Please note: this variant was assessed in the context of healthy population screening.

Labcorp Genetics (formerly Invitae), Labcorp
Classification: Uncertain significance for Zellweger spectrum disorders. Last evaluated: 2022-05-17. Review status: criteria provided, single submitter. Criteria: Invitae Variant Classification Sherloc (09022015). Collection method: clinical testing. Allele origin: germline.
Comment: This sequence change replaces alanine, which is neutral and non-polar, with valine, which is neutral and non-polar, at codon 981 of the PEX1 protein (p.Ala981Val). This variant is present in population databases (rs780843399, gnomAD 0.006%). This variant has not been reported in the literature in individuals affected with PEX1-related conditions. ClinVar contains an entry for this variant (Variation ID: 852150). Algorithms developed to predict the effect of missense changes on protein structure and function are either unavailable or do not agree on the potential impact of this missense change (SIFT: "Deleterious"; PolyPhen-2: "Probably Damaging"; Align-GVGD: "Class C15"). In summary, the available evidence is currently insufficient to determine the role of this variant in disease. Therefore, it has been classified as a Variant of Uncertain Significance.

Natera, Inc.
Classification: Uncertain significance for Zellweger syndrome. Last evaluated: 2020-12-04. Review status: no assertion criteria provided. Collection method: clinical testing. Allele origin: germline. Not counted in ClinVar's aggregate classification.

NM_000466.3(PEX1):c.2942C>T (p.Ala981Val)

Genes: GATAD1 (GATA zinc finger domain containing 1; plus strand), PEX1 (peroxisomal biogenesis factor 1; minus strand). Cytogenetic location: 7q21.2.
Variant type: single nucleotide variant.
Coding change: c.2942C>T on transcript NM_000466.3 (MANE Select); coding-DNA position 2942, C replaced by T.
Protein change: p.Ala981Val; replaces alanine 981 with valine.
Molecular consequence: missense variant.
Genome position (GRCh38, 1-based): chr7:92,494,381, G>A on the plus strand (C>T on the coding strand, the complement: PEX1 is on the minus strand). VCF-style: chr7-92494381-G-A. GRCh37 (hg19) VCF-style: chr7-92123695-G-A.
Other names: c.2771C>T, p.Ala924Val (NM_001282677.2); c.2318C>T, p.Ala773Val (NM_001282678.2); short protein forms A924V, A981V, A773V.
Identifiers: ClinVar variation 852150 (VCV000852150.12), dbSNP rs780843399, ClinGen allele CA4340953.
Genomic context (GRCh38, chr7:92,494,381, plus strand): 5'-TTATCTAGTCGACCAGGCCTAAGCAGGGCAGGGTCAATCAAGTCAGGGCGACTAGTAGCA[G>A]CCAATACATAAACACCTAGAGGAAAAAAGAACATTTTTTTACCAAAATCTGATGACATGA-3'
Protein context (NP_000457.1, residues 971-991): VEGLQGVYVL[Ala981Val]ATSRPDLIDP